The following is an entry in ClinVar:

NM_017780.4(CHD7):c.6160A>T (p.Thr2054Ser)

Gene: CHD7 (chromodomain helicase DNA binding protein 7; plus strand). Cytogenetic location: 8q12.2.
Variant type: single nucleotide variant.
Coding change: c.6160A>T on transcript NM_017780.4 (MANE Select); coding-DNA position 6160, A replaced by T.
Protein change: p.Thr2054Ser; replaces threonine 2054 with serine.
Molecular consequence: missense variant. On other transcripts: intron variant (1).
Genome position (GRCh38, 1-based): chr8:60,852,885, A>T. VCF-style: chr8-60852885-A-T. GRCh37 (hg19) VCF-style: chr8-61765444-A-T.
Other names: c.1717-9344A>T (NM_001316690.1); short protein forms T2054S.
Identifiers: ClinVar variation 4747783 (VCV004747783.1).

ClinVar aggregate classification (germline): Uncertain significance (1 of 4 stars; one submission).

Conditions:
CHARGE syndrome (CHARGE). Also called: Hittner Hirsch Kreh syndrome; CHARGE ASSOCIATION--COLOBOMA, HEART ANOMALY, CHOANAL ATRESIA, RETARDATION, GENITAL AND EAR ANOMALIES; Coloboma, heart anomaly, choanal atresia, retardation, genital and ear anomalies; CHARGE association; Hall-Hittner syndrome. Identifiers: Orphanet 138, MedGen C0265354, MONDO:0008965.

gnomAD v4.1: 1 of 1,613,908 alleles (0.000062%); highest among the groups gnomAD compares: Non-Finnish European, 0.000085%; no homozygotes.

Submission:

Labcorp Genetics (formerly Invitae), Labcorp
Classification: Uncertain significance for CHARGE syndrome. Last evaluated: 2025-06-30. Review status: criteria provided, single submitter. Criteria: Invitae Variant Classification Sherloc (09022015). Collection method: clinical testing. Allele origin: germline.
Comment: This sequence change replaces threonine, which is neutral and polar, with serine, which is neutral and polar, at codon 2054 of the CHD7 protein (p.Thr2054Ser). This variant is not present in population databases (gnomAD no frequency). This variant has not been reported in the literature in individuals affected with CHD7-related conditions. Invitae Evidence Modeling of protein sequence and biophysical properties (such as structural, functional, and spatial information, amino acid conservation, physicochemical variation, residue mobility, and thermodynamic stability) has been performed for this missense variant. However, the output from this modeling did not meet the statistical confidence thresholds required to predict the impact of this variant on CHD7 protein function. In summary, the available evidence is currently insufficient to determine the role of this variant in disease. Therefore, it has been classified as a Variant of Uncertain Significance.